The following is an entry in ClinVar:

NM_182914.3(SYNE2):c.17899A>G (p.Ser5967Gly)

Gene: SYNE2 (spectrin repeat containing nuclear envelope protein 2; plus strand). Cytogenetic location: 14q23.2.
Variant type: single nucleotide variant.
Coding change: c.17899A>G on transcript NM_182914.3 (MANE Select); coding-DNA position 17899, A replaced by G.
Protein change: p.Ser5967Gly; replaces serine 5967 with glycine.
Molecular consequence: missense variant.
Genome position (GRCh38, 1-based): chr14:64,190,098, A>G. VCF-style: chr14-64190098-A-G. GRCh37 (hg19) VCF-style: chr14-64656816-A-G.
Other names: c.17899A>G, p.Ser5967Gly (NM_015180.6); short protein forms S5967G.
Identifiers: ClinVar variation 4809609 (VCV004809609.1).

ClinVar aggregate classification (germline): Uncertain significance (1 of 4 stars; one submission).

Conditions:
Emery-Dreifuss muscular dystrophy 5, autosomal dominant (EDMD5). Also called: EMERY-DREIFUSS MUSCULAR DYSTROPHY 5. Identifiers: Orphanet 261, MedGen C2751805, MONDO:0013072, OMIM 612999.

Submission:

Labcorp Genetics (formerly Invitae), Labcorp
Classification: Uncertain significance for Emery-Dreifuss muscular dystrophy 5, autosomal dominant. Last evaluated: 2025-10-05. Review status: criteria provided, single submitter. Criteria: Invitae Variant Classification Sherloc (09022015). Collection method: clinical testing. Allele origin: germline.
Comment: This sequence change replaces serine, which is neutral and polar, with glycine, which is neutral and non-polar, at codon 5967 of the SYNE2 protein (p.Ser5967Gly). This variant is not present in population databases (gnomAD no frequency). This variant has not been reported in the literature in individuals affected with SYNE2-related conditions. An algorithm developed to predict the effect of missense changes on protein structure and function (PolyPhen-2) suggests that this variant is likely to be disruptive. In summary, the available evidence is currently insufficient to determine the role of this variant in disease. Therefore, it has been classified as a Variant of Uncertain Significance.